The following is an entry in ClinVar:

NM_138694.4(PKHD1):c.1975G>A (p.Asp659Asn)

Gene: PKHD1 (PKHD1 ciliary IPT domain containing fibrocystin/polyductin; minus strand). Cytogenetic location: 6p12.2.
Variant type: single nucleotide variant.
Coding change: c.1975G>A on transcript NM_138694.4 (MANE Select); coding-DNA position 1975, G replaced by A.
Protein change: p.Asp659Asn; replaces aspartic acid 659 with asparagine.
Molecular consequence: missense variant.
Genome position (GRCh38, 1-based): chr6:52,053,241, C>T on the plus strand (G>A on the coding strand, the complement: PKHD1 is on the minus strand). VCF-style: chr6-52053241-C-T. GRCh37 (hg19) VCF-style: chr6-51918039-C-T.
Other names: c.1975G>A, p.Asp659Asn (NM_170724.3); c.1975G>A (NM_138694.3); short protein forms D659N.
Identifiers: ClinVar variation 2070049 (VCV002070049.2), dbSNP rs149147435, ClinGen allele CA138969465.
Genomic context (GRCh38, chr6:52,053,241, plus strand): 5'-CCGGAGGGGGCTGGAGATCCCCGAAGCAACGCACACAAGTCTCCCAGAGGTCAGTGCAAT[C>T]GAACTGCCAGCTGAAAAACAGCATGGAGCAGAACTGGGCTCTCAGGGAGCACTTGCAGTC-3'
Protein context (NP_619639.3, residues 649-669): TRTSPESWQF[Asp659Asn]CTDLWETCVR

ClinVar aggregate classification (germline): Uncertain significance. Review status: criteria provided, multiple submitters, no conflicts (2 of 4 stars). 2 submissions from 2 submitters: Uncertain significance (2). Last evaluated 2023-11-18.

Conditions:
Inborn genetic diseases. Identifiers: MedGen C0950123, MeSH D030342.
Autosomal recessive polycystic kidney disease (ARPKD). Also called: AR polycystic kidney disease. Identifiers: Orphanet 731, Orphanet 8378, MedGen C0085548, MeSH D017044, MONDO:0009889.

Allele frequency attached by ClinVar (database versions not stated): gnomAD 0.00001; ESP Exome Variant Server 0.00008.
gnomAD v4.1: 28 of 1,614,000 alleles (0.0017%); highest among the groups gnomAD compares: South Asian, 0.0022%; no homozygotes.

Submissions (2):

Ambry Genetics
Classification: Uncertain significance for Inborn genetic diseases. Last evaluated: 2023-11-18. Review status: criteria provided, single submitter. Criteria: Ambry Variant Classification Scheme 2023. Collection method: clinical testing. Allele origin: germline.

Labcorp Genetics (formerly Invitae), Labcorp
Classification: Uncertain significance for Autosomal recessive polycystic kidney disease. Last evaluated: 2021-09-17. Review status: criteria provided, single submitter. Criteria: Invitae Variant Classification Sherloc (09022015). Collection method: clinical testing. Allele origin: germline.
Comment: This sequence change replaces aspartic acid with asparagine at codon 659 of the PKHD1 protein (p.Asp659Asn). The aspartic acid residue is weakly conserved and there is a small physicochemical difference between aspartic acid and asparagine. This variant is not present in population databases (ExAC no frequency). This variant has not been reported in the literature in individuals affected with PKHD1-related conditions. Algorithms developed to predict the effect of missense changes on protein structure and function (SIFT, PolyPhen-2, Align-GVGD) all suggest that this variant is likely to be tolerated. In summary, the available evidence is currently insufficient to determine the role of this variant in disease. Therefore, it has been classified as a Variant of Uncertain Significance.